The following is an entry in ClinVar:

NM_053025.4(MYLK):c.5067C>T (p.Ser1689=)

Genes: MYLK (myosin light chain kinase; minus strand), MYLK-AS1 (MYLK antisense RNA 1; plus strand), LOC126806791 (MED14-independent group 3 enhancer GRCh37_chr3:123347871-123349070; plus strand). Cytogenetic location: 3q21.1.
Variant type: single nucleotide variant.
Coding change: c.5067C>T on transcript NM_053025.4 (MANE Select); coding-DNA position 5067, C replaced by T.
Protein change: p.Ser1689=; no amino-acid change (serine 1689 retained).
Molecular consequence: synonymous variant. On other transcripts: non-coding transcript variant (2), intron variant (2).
Genome position (GRCh38, 1-based): chr3:123,629,521, G>A on the plus strand (C>T on the coding strand, the complement: MYLK is on the minus strand). VCF-style: chr3-123629521-G-A. GRCh37 (hg19) VCF-style: chr3-123348368-G-A.
Other names: c.4539C>T, p.Ser1513= (NM_001321309.2); c.4860C>T, p.Ser1620= (NM_053026.4); c.4755-2580C>T (NM_053028.4); c.4962-2580C>T (NM_053027.4).
Identifiers: ClinVar variation 699151 (VCV000699151.60), dbSNP rs368571172, ClinGen allele CA072459.

ClinVar aggregate classification (germline): Likely benign. Review status: criteria provided, multiple submitters, no conflicts (2 of 4 stars). 9 submissions from 9 submitters: Likely benign (6). 3 of the submissions do not count toward it. Last evaluated 2026-01-04.

Conditions:
MYLK-related disorder. Also called: MYLK-related condition.
Familial thoracic aortic aneurysm and aortic dissection (TAAD). Also called: Thoracic aortic aneurysms and dissections. Identifiers: Orphanet 91387, MedGen C4707243, MONDO:0019625.
Aortic aneurysm, familial thoracic 7 (AAT7). Also called: AORTIC DISSECTION, FAMILIAL, WITH OR WITHOUT AORTIC ANEURYSM. Identifiers: MedGen C3151077, MONDO:0013418, OMIM 613780.

Allele frequency attached by ClinVar (database versions not stated): ESP Exome Variant Server 0.00008; gnomAD exomes 0.00008 and 0.00011; ExAC 0.00010; gnomAD 0.00002 and 0.00003; TOPMed 0.00005.
gnomAD v4.1: 128 of 1,614,138 alleles (0.0079%); highest among the groups gnomAD compares: Middle Eastern, 0.016%; no homozygotes.

Submissions (9):

Labcorp Genetics (formerly Invitae), Labcorp
Classification: Likely benign for Aortic aneurysm, familial thoracic 7. Last evaluated: 2026-01-04. Review status: criteria provided, single submitter. Criteria: Invitae Variant Classification Sherloc (09022015). Collection method: clinical testing. Allele origin: germline.

Blueprint Genetics
Classification: Likely benign. Last evaluated: 2024-11-11. Review status: criteria provided, single submitter. Criteria: ACMG Guidelines, 2015. Collection method: clinical testing. Allele origin: germline.

Ambry Genetics
Classification: Likely benign for Familial thoracic aortic aneurysm and aortic dissection. Last evaluated: 2022-09-02. Review status: criteria provided, single submitter. Criteria: Ambry Variant Classification Scheme 2023. Collection method: clinical testing. Allele origin: germline.

GeneDx
Classification: Likely benign. Last evaluated: 2020-01-17. Review status: criteria provided, single submitter. Criteria: GeneDx Variant Classification Process June 2021. Collection method: clinical testing. Allele origin: germline. Affected: yes.

CeGaT Center for Human Genetics Tuebingen
Classification: Likely benign. Last evaluated: 2019-04-01. Review status: criteria provided, single submitter. Criteria: CeGaT Center For Human Genetics Tuebingen Variant Classification Criteria Version 2. Collection method: clinical testing. Allele origin: germline. Affected: yes. Observed: 1 variant allele.

Breakthrough Genomics
Classification: Likely benign. Review status: criteria provided, single submitter. Criteria: ACMG Guidelines, 2015. Collection method: not provided. Allele origin: germline. Inheritance: Autosomal recessive inheritance. Affected: yes.

PreventionGenetics, part of Exact Sciences
Classification: Likely benign for MYLK-related condition. Last evaluated: 2020-09-22. Review status: no assertion criteria provided. Collection method: clinical testing. Allele origin: germline. Not counted in ClinVar's aggregate classification.
Comment: This variant is classified as likely benign based on ACMG/AMP sequence variant interpretation guidelines (Richards et al. 2015 PMID: 25741868, with internal and published modifications).

Clinical Genetics DNA and cytogenetics Diagnostics Lab, Erasmus MC, Erasmus Medical Center
Classification: Likely benign. Review status: no assertion criteria provided. Collection method: clinical testing. Allele origin: germline. Affected: yes. Study: VKGL Data-share Consensus. Not counted in ClinVar's aggregate classification.

Genome Diagnostics Laboratory, Amsterdam University Medical Center
Classification: Likely benign. Review status: no assertion criteria provided. Collection method: clinical testing. Allele origin: germline. Affected: yes. Study: VKGL Data-share Consensus. Not counted in ClinVar's aggregate classification.